The following is an entry in ClinVar:

NM_003190.5(TAPBP):c.568G>A (p.Glu190Lys)

Gene: TAPBP (TAP binding protein; minus strand). Cytogenetic location: 6p21.32.
Variant type: single nucleotide variant.
Coding change: c.568G>A on transcript NM_003190.5 (MANE Select); coding-DNA position 568, G replaced by A.
Protein change: p.Glu190Lys; replaces glutamic acid 190 with lysine.
Molecular consequence: missense variant.
Genome position (GRCh38, 1-based): chr6:33,305,289, C>T on the plus strand (G>A on the coding strand, the complement: TAPBP is on the minus strand). VCF-style: chr6-33305289-C-T. GRCh37 (hg19) VCF-style: chr6-33273066-C-T.
Other names: c.568G>A, p.Glu190Lys (NM_172208.3); c.307G>A, p.Glu103Lys (NM_172209.3); short protein forms E103K, E190K.
Identifiers: ClinVar variation 1018666 (VCV001018666.9), dbSNP rs544121607, ClinGen allele CA3755853.

ClinVar aggregate classification (germline): Uncertain significance (1 of 4 stars; one submission).

Conditions:
MHC class I deficiency. Identifiers: Orphanet 34592, MedGen C6024714, MONDO:0011476.

Allele frequency attached by ClinVar (database versions not stated): ExAC 0.00005; gnomAD 0.00003; gnomAD exomes 0.00003; TOPMed 0.00001; 1000 Genomes Project 30x 0.00016; 1000 Genomes Project 0.00020.

Submission:

Labcorp Genetics (formerly Invitae), Labcorp
Classification: Uncertain significance for MHC class I deficiency 1. Last evaluated: 2025-01-29. Review status: criteria provided, single submitter. Criteria: Invitae Variant Classification Sherloc (09022015). Collection method: clinical testing. Allele origin: germline.
Comment: This sequence change replaces glutamic acid, which is acidic and polar, with lysine, which is basic and polar, at codon 190 of the TAPBP protein (p.Glu190Lys). This variant is present in population databases (rs544121607, gnomAD 0.008%). This variant has not been reported in the literature in individuals affected with TAPBP-related conditions. ClinVar contains an entry for this variant (Variation ID: 1018666). An algorithm developed to predict the effect of missense changes on protein structure and function outputs the following: PolyPhen-2: "Benign". The lysine amino acid residue is found in multiple mammalian species, which suggests that this missense change does not adversely affect protein function. In summary, the available evidence is currently insufficient to determine the role of this variant in disease. Therefore, it has been classified as a Variant of Uncertain Significance.